The following is an entry in ClinVar:

ClinVar aggregate classification (germline): Uncertain significance (1 of 4 stars; one submission).

Submission:

Women's Health and Genetics/Laboratory Corporation of America, LabCorp
Classification: Uncertain significance. Last evaluated: 2026-05-27. Review status: criteria provided, single submitter. Criteria: LabCorp Variant Classification Summary - May 2015. Collection method: clinical testing. Allele origin: germline.
Comment: Variant summary: SGCA c.626G>T (p.Cys209Phe) results in a non-conservative amino acid change in the encoded protein sequence. Algorithms developed to predict the effect of missense changes on protein structure and function all suggest that this variant is likely to be disruptive. The variant was absent in 251340 control chromosomes. The available data on variant occurrences in the general population are insufficient to allow any conclusion about variant significance. To our knowledge, no occurrence of c.626G>T in individuals affected with SGCA-related conditions and no experimental evidence demonstrating its impact on protein function have been reported. No submitters have cited clinical-significance assessments for this variant to ClinVar. Based on the evidence outlined above, the variant was classified as uncertain significance.

NM_000023.4(SGCA):c.626G>T (p.Cys209Phe)

Gene: SGCA (sarcoglycan alpha; plus strand). Cytogenetic location: 17q21.33.
Variant type: single nucleotide variant.
Coding change: c.626G>T on transcript NM_000023.4 (MANE Select); coding-DNA position 626, G replaced by T.
Protein change: p.Cys209Phe; replaces cysteine 209 with phenylalanine.
Molecular consequence: missense variant. On other transcripts: non-coding transcript variant (1), intron variant (1).
Genome position (GRCh38, 1-based): chr17:50,169,133, G>T. VCF-style: chr17-50169133-G-T. GRCh37 (hg19) VCF-style: chr17-48246494-G-T.
Other names: c.584+561G>T (NM_001135697.3); short protein forms C209F.
Identifiers: ClinVar variation 4853593 (VCV004853593.1).
Genomic context (GRCh38, chr17:50,169,133, plus strand): 5'-GACTTCTATCTGGTCCCAGGGTATACATTAAGGTGGGTTCTGCCTCACCTTTTTCTACTT[G>T]CCTGAAGATGGTGGCATCCCCCGATAGCCACGCCCGCTGTGCCCAGGGCCAGCCTCCACT-3'
Protein context (NP_000014.1, residues 199-219): KVGSASPFST[Cys209Phe]LKMVASPDSH